The following is an entry in ClinVar:

NM_001267550.2(TTN):c.7533C>T (p.Asp2511=)

Gene: TTN (titin; minus strand). Cytogenetic location: 2q31.2.
Variant type: single nucleotide variant.
Coding change: c.7533C>T on transcript NM_001267550.2 (MANE Select); coding-DNA position 7533, C replaced by T.
Protein change: p.Asp2511=; no amino-acid change (aspartic acid 2511 retained).
Molecular consequence: synonymous variant.
Genome position (GRCh38, 1-based): chr2:178,773,523, G>A on the plus strand (C>T on the coding strand, the complement: TTN is on the minus strand). VCF-style: chr2-178773523-G-A. GRCh37 (hg19) VCF-style: chr2-179638250-G-A.
Other names: c.7533C>T, p.Asp2511= (NM_001256850.1, NM_133378.4, NM_133379.5); c.7395C>T, p.Asp2465= (NM_003319.4, NM_133432.3, NM_133437.4).
Identifiers: ClinVar variation 756241 (VCV000756241.14), dbSNP rs878878455, ClinGen allele CA61006416.

ClinVar aggregate classification (germline): Likely benign. Review status: criteria provided, multiple submitters, no conflicts (2 of 4 stars). 4 submissions from 4 submitters: Likely benign (4). Last evaluated 2026-08-01.

Conditions:
Cardiovascular phenotype. Identifiers: MedGen CN230736.
Dilated cardiomyopathy 1G (CMD1G). Identifiers: Orphanet 154, MedGen C1858763, MONDO:0011400, OMIM 604145.
Autosomal recessive limb-girdle muscular dystrophy type 2J (LGMDR10). Also called: MUSCULAR DYSTROPHY, LIMB-GIRDLE, AUTOSOMAL RECESSIVE 10; Limb-girdle muscular dystrophy, type 2J. Identifiers: Orphanet 140922, MedGen C1837342, MONDO:0012127, OMIM 608807.
TTN-related disorder. Also called: TTN-related disorders; TTN-related condition; TTN-related disease.

Allele frequency attached by ClinVar (database versions not stated): gnomAD exomes 0.00001; gnomAD 0.00003; TOPMed 0.00005.
gnomAD v4.1: 15 of 1,613,880 alleles (0.00093%); highest among the groups gnomAD compares: Admixed American, 0.005%; no homozygotes.

Submissions (4):

CeGaT Center for Human Genetics Tuebingen
Classification: Likely benign. Last evaluated: 2026-08-01. Review status: criteria provided, single submitter. Criteria: CeGaT Center For Human Genetics Tuebingen Variant Classification Criteria Version 2. Collection method: clinical testing. Allele origin: germline. Affected: yes. Observed: 1 variant allele.
Comment: TTN: BP4, BP7

Labcorp Genetics (formerly Invitae), Labcorp
Classification: Likely benign for Dilated cardiomyopathy 1G; Autosomal recessive limb-girdle muscular dystrophy type 2J. Last evaluated: 2026-01-12. Review status: criteria provided, single submitter. Criteria: Invitae Variant Classification Sherloc (09022015). Collection method: clinical testing. Allele origin: germline.

PreventionGenetics, part of Exact Sciences
Classification: Likely benign for TTN-related condition. Last evaluated: 2025-04-23. Review status: criteria provided, single submitter. Criteria: ACMG Guidelines, 2015. Collection method: clinical testing. Allele origin: germline.
Comment: This variant is classified as likely benign based on ACMG/AMP sequence variant interpretation guidelines (Richards et al. 2015 PMID: 25741868, with internal and published modifications).

Ambry Genetics
Classification: Likely benign for Cardiovascular phenotype. Last evaluated: 2024-09-20. Review status: criteria provided, single submitter. Criteria: Ambry Variant Classification Scheme 2023. Collection method: clinical testing. Allele origin: germline.